The following is an entry in ClinVar:

ClinVar aggregate classification (germline): Pathogenic/Likely pathogenic. Review status: criteria provided, multiple submitters, no conflicts (2 of 4 stars). 3 submissions from 3 submitters: Pathogenic (1); Likely pathogenic (1). 1 of the submissions does not count toward it. Last evaluated 2025-12-16.

Conditions:
Sjögren-Larsson syndrome (SLS). Also called: ICHTHYOSIS, SPASTIC NEUROLOGIC DISORDER, AND OLIGOPHRENIA; FALDH DEFICIENCY; FATTY ALCOHOL:NAD+ OXIDOREDUCTASE DEFICIENCY; FATTY ALDEHYDE DEHYDROGENASE DEFICIENCY. Identifiers: Orphanet 816, MedGen C0037231, MONDO:0010031, OMIM 270200.

Allele frequency attached by ClinVar (database versions not stated): gnomAD exomes below 0.00001; TOPMed below 0.00001.

Submissions (3):

Natera, Inc.
Classification: Likely pathogenic for Sjögren-Larsson syndrome. Last evaluated: 2025-12-16. Review status: criteria provided, single submitter. Criteria: Natera Variant Classification Schema (03/2026). Collection method: clinical testing. Allele origin: germline.
Comment: The c.151_152del variant in ALDH3A2 is a frameshift variant predicted to shift the reading frame beginning at codon 51 and leads to a stop codon 2 codons downstream. This variant is expected to result in nonsense mediated decay, truncation, or a dysfunctional protein product. This variant is rare in the general population with a frequency below the threshold expected for the associated phenotype(s). Given the available evidence, this variant is classified as Likely Pathogenic.

Labcorp Genetics (formerly Invitae), Labcorp
Classification: Pathogenic. Last evaluated: 2025-12-14. Review status: criteria provided, single submitter. Criteria: Invitae Variant Classification Sherloc (09022015). Collection method: clinical testing. Allele origin: germline.
Comment: This sequence change creates a premature translational stop signal (p.Lys51Glufs*2) in the ALDH3A2 gene. It is expected to result in an absent or disrupted protein product. Loss-of-function variants in ALDH3A2 are known to be pathogenic (PMID: 10577908, 10854114). This variant is not present in population databases (gnomAD no frequency). This variant has not been reported in the literature in individuals affected with ALDH3A2-related conditions. ClinVar contains an entry for this variant (Variation ID: 371604). For these reasons, this variant has been classified as Pathogenic.

Counsyl
Classification: Likely pathogenic for Sjögren-Larsson syndrome. Last evaluated: 2016-10-31. Review status: no assertion criteria provided. Collection method: clinical testing. Allele origin: unknown. Not counted in ClinVar's aggregate classification.

Literature cited by the submitters: PubMed 10577908 (cited by Labcorp Genetics (formerly Invitae), Labcorp); PubMed 10854114 (cited by Labcorp Genetics (formerly Invitae), Labcorp).

NM_000382.3(ALDH3A2):c.151_152del (p.Lys51fs)

Gene: ALDH3A2 (aldehyde dehydrogenase 3 family member A2; plus strand). Cytogenetic location: 17p11.2.
Variant type: Deletion.
Coding change: c.151_152del on transcript NM_000382.3 (MANE Select); coding-DNA positions 151 to 152, 2 bases deleted (AA; older notation c.151_152delAA).
Protein change: p.Lys51fs; shifts the reading frame from lysine 51.
Molecular consequence: frameshift variant. On other transcripts: 5 prime UTR variant (1).
Genome position (GRCh38, 1-based): chr17:19,649,122-19,649,123, AA deleted. VCF-style (leftmost placement, unchanged base first): chr17-19649121-CAA-C. GRCh37 (hg19) VCF-style: chr17-19552434-CAA-C.
Other names: c.151_152del, p.Lys51fs (NM_001031806.2, NM_001369136.1, NM_001369137.2 and 3 more transcripts); c.-538_-537del (NM_001369148.2); c.151_152delAA (NM_000382.2); c.151_152del (NM_000382.2); short protein forms K51fs.
Identifiers: ClinVar variation 371604 (VCV000371604.10), dbSNP rs1057517403, ClinGen allele CA16041805.